The following is an entry in ClinVar:

ClinVar aggregate classification (germline): Uncertain significance. Review status: criteria provided, multiple submitters, no conflicts (2 of 4 stars). 2 submissions from 2 submitters: Uncertain significance (2). Last evaluated 2025-07-01.

Conditions:
Kufor-Rakeb syndrome (KRS). Also called: PARKINSON DISEASE 9, AUTOSOMAL RECESSIVE, JUVENILE-ONSET. Identifiers: Orphanet 306674, Orphanet 314632, MedGen C1847640, MONDO:0011706, OMIM 606693.
Autosomal recessive spastic paraplegia type 78. Identifiers: Orphanet 513436, MedGen C5567893, MONDO:0014975, OMIM 617225.

Allele frequency attached by ClinVar (database versions not stated): gnomAD 0.00001.
gnomAD v4.1: 1 of 1,614,102 alleles (0.000062%); highest among the groups gnomAD compares: African/African-American, 0.0013%; no homozygotes.

Submissions (2):

Mayo Clinic Laboratories, Mayo Clinic
Classification: Uncertain significance. Last evaluated: 2025-07-01. Review status: criteria provided, single submitter. Criteria: ACMG Guidelines, 2015. Collection method: clinical testing. Allele origin: germline. Observed: 1 variant allele.
Comment: BP4, PM2_supporting

Labcorp Genetics (formerly Invitae), Labcorp
Classification: Uncertain significance for Kufor-Rakeb syndrome; Autosomal recessive spastic paraplegia type 78. Last evaluated: 2022-06-04. Review status: criteria provided, single submitter. Criteria: Invitae Variant Classification Sherloc (09022015). Collection method: clinical testing. Allele origin: germline.
Comment: ClinVar contains an entry for this variant (Variation ID: 1445352). Advanced modeling of protein sequence and biophysical properties (such as structural, functional, and spatial information, amino acid conservation, physicochemical variation, residue mobility, and thermodynamic stability) performed at Invitae indicates that this missense variant is not expected to disrupt ATP13A2 protein function. In summary, the available evidence is currently insufficient to determine the role of this variant in disease. Therefore, it has been classified as a Variant of Uncertain Significance. This sequence change replaces glycine, which is neutral and non-polar, with alanine, which is neutral and non-polar, at codon 596 of the ATP13A2 protein (p.Gly596Ala). This variant is not present in population databases (gnomAD no frequency). This variant has not been reported in the literature in individuals affected with ATP13A2-related conditions.

NM_022089.4(ATP13A2):c.1787G>C (p.Gly596Ala)

Gene: ATP13A2 (ATPase cation transporting 13A2; minus strand). Cytogenetic location: 1p36.13.
Variant type: single nucleotide variant.
Coding change: c.1787G>C on transcript NM_022089.4 (MANE Select); coding-DNA position 1787, G replaced by C.
Protein change: p.Gly596Ala; replaces glycine 596 with alanine.
Molecular consequence: missense variant.
Genome position (GRCh38, 1-based): chr1:16,992,544, C>G on the plus strand (G>C on the coding strand, the complement: ATP13A2 is on the minus strand). VCF-style: chr1-16992544-C-G. GRCh37 (hg19) VCF-style: chr1-17319039-C-G.
Other names: p.Gly596Ala; c.1772G>C, p.Gly591Ala (NM_001141973.3, NM_001141974.3); short protein forms G596A, G591A.
Identifiers: ClinVar variation 1445352 (VCV001445352.9), dbSNP rs975811918, ClinGen allele CA18633450.